The following is an entry in ClinVar:

NM_000540.3(RYR1):c.5479C>T (p.Arg1827Cys)

Gene: RYR1 (ryanodine receptor 1; plus strand). Cytogenetic location: 19q13.2.
Variant type: single nucleotide variant.
Coding change: c.5479C>T on transcript NM_000540.3 (MANE Select); coding-DNA position 5479, C replaced by T.
Protein change: p.Arg1827Cys; replaces arginine 1827 with cysteine.
Molecular consequence: missense variant.
Genome position (GRCh38, 1-based): chr19:38,486,134, C>T. VCF-style: chr19-38486134-C-T. GRCh37 (hg19) VCF-style: chr19-38976774-C-T.
Other names: c.5479C>T, p.Arg1827Cys (NM_001042723.2); short protein forms R1827C.
Identifiers: ClinVar variation 590559 (VCV000590559.9), dbSNP rs746110626, ClinGen allele CA405655612.

ClinVar aggregate classification (germline): Uncertain significance. Review status: criteria provided, multiple submitters, no conflicts (2 of 4 stars). 3 submissions from 3 submitters: Uncertain significance (3). Last evaluated 2026-01-02.

Conditions:
Malignant hyperthermia, susceptibility to, 1 (MHS1). Also called: Anesthesia related hyperthermia; Malignant hyperpyrexia; Fulminating hyperpyrexia; Pharmacogenic myopathy; RYR1-Related Malignant Hyperthermia Susceptibility; Malignant hyperthermia suceptibility 1. Identifiers: Orphanet 423, MedGen C2930980, MONDO:0007783, OMIM 145600.
RYR1-related disorder. Also called: RYR1-related disorders; RYR1-related condition. Identifiers: MedGen CN239331.

Allele frequency attached by ClinVar (database versions not stated): TOPMed 0.00007; gnomAD 0.00011.
gnomAD v4.1: 31 of 1,613,018 alleles (0.0019%); highest among the groups gnomAD compares: Admixed American, 0.04%; no homozygotes.

Submissions (3):

Labcorp Genetics (formerly Invitae), Labcorp
Classification: Uncertain significance for RYR1-related disorder. Last evaluated: 2026-01-02. Review status: criteria provided, single submitter. Criteria: Invitae Variant Classification Sherloc (09022015). Collection method: clinical testing. Allele origin: germline.
Comment: This sequence change replaces arginine, which is basic and polar, with cysteine, which is neutral and slightly polar, at codon 1827 of the RYR1 protein (p.Arg1827Cys). This variant is present in population databases (no rsID available, gnomAD 0.02%). This missense change has been observed in individual(s) with RYR1-related conditions (PMID: 32236737). ClinVar contains an entry for this variant (Variation ID: 590559). Invitae Evidence Modeling of protein sequence and biophysical properties (such as structural, functional, and spatial information, amino acid conservation, physicochemical variation, residue mobility, and thermodynamic stability) indicates that this missense variant is expected to disrupt RYR1 protein function with a positive predictive value of 80%. In summary, the available evidence is currently insufficient to determine the role of this variant in disease. Therefore, it has been classified as a Variant of Uncertain Significance.

All of Us Research Program, National Institutes of Health
Classification: Uncertain significance for Malignant hyperthermia, susceptibility to, 1. Last evaluated: 2024-07-10. Review status: criteria provided, single submitter. Criteria: ACMG Guidelines, 2015. Collection method: clinical testing. Allele origin: germline. Inheritance: Autosomal dominant inheritance. Observed: 4 variant alleles, 4 heterozygotes.
Comment: This missense variant replaces arginine with cysteine at codon 1827 of the RYR1 protein. Computational prediction suggests that this variant may not impact protein structure and function (internally defined REVEL score threshold <= 0.5, PMID: 27666373). To our knowledge, functional studies have not been reported for this variant. This variant has not been reported in individuals affected with RYR1-related disorders in the literature. This variant has been identified in 6/239598 chromosomes in the general population by the Genome Aggregation Database (gnomAD). The available evidence is insufficient to determine the role of this variant in disease conclusively. Therefore, this variant is classified as a Variant of Uncertain Significance.

This study involves interpretation of variants in research participants for the purpose of population health screening. Participant phenotype was not available at the time of variant classification. Additional details can be found in publication PMID: 35346344, PMCID: PMC8962531

PreventionGenetics, part of Exact Sciences
Classification: Uncertain significance. Last evaluated: 2013-10-23. Review status: criteria provided, single submitter. Criteria: ACMG Guidelines, 2015. Collection method: clinical testing. Allele origin: germline.

Literature cited by the submitters: PubMed 32236737 (cited by Labcorp Genetics (formerly Invitae), Labcorp).